The following is an entry in ClinVar:

NM_014476.6(PDLIM3):c.94-13T>C

Gene: PDLIM3 (PDZ and LIM domain 3; minus strand). Cytogenetic location: 4q35.1.
Variant type: single nucleotide variant.
Coding change: c.94-13T>C on transcript NM_014476.6 (MANE Select); 13 bases into the intron before coding-DNA position 94, T replaced by C.
Molecular consequence: intron variant.
Genome position (GRCh38, 1-based): chr4:185,525,184, A>G on the plus strand (T>C on the coding strand, the complement: PDLIM3 is on the minus strand). VCF-style: chr4-185525184-A-G. GRCh37 (hg19) VCF-style: chr4-186446338-A-G.
Other names: c.93+10158T>C (NM_001257963.2); c.94-13T>C (NM_001257962.2, NM_001114107.5).
Identifiers: ClinVar variation 391176 (VCV000391176.1), dbSNP rs1057523996, ClinGen allele CA16605100.

ClinVar aggregate classification (germline): Likely benign (1 of 4 stars; one submission).

Submission:

GeneDx
Classification: Likely benign. Last evaluated: 2016-11-30. Review status: criteria provided, single submitter. Criteria: GeneDx Variant Classification (06012015). Collection method: clinical testing. Allele origin: germline. Affected: yes.
Comment: This variant is considered likely benign or benign based on one or more of the following criteria: it is a conservative change, it occurs at a poorly conserved position in the protein, it is predicted to be benign by multiple in silico algorithms, and/or has population frequency not consistent with disease.